The following is an entry in ClinVar:

NM_001358530.2(MOCS1):c.124-124_124-123del

Gene: MOCS1 (molybdenum cofactor synthesis 1; minus strand). Cytogenetic location: 6p21.2.
Variant type: Deletion.
Coding change: c.124-124_124-123del on transcript NM_001358530.2 (MANE Select); 124 bases into the intron before coding-DNA position 124 through 123 bases into the intron before coding-DNA position 124, 2 bases deleted (CA; older notation c.124-124_124-123delCA).
Molecular consequence: intron variant. On other transcripts: frameshift variant (2), initiator codon variant (2).
Genome position (GRCh38, 1-based): chr6:39,927,578-39,927,579, TG deleted on the plus strand (CA on the coding strand, the reverse complement: MOCS1 is on the minus strand); deleting any 2 consecutive bases within chr6:39,927,578-39,927,580 gives the same sequence; the c. name uses the placement nearest the transcript's 3' end. VCF-style (leftmost placement, unchanged base first): chr6-39927577-ATG-A. GRCh37 (hg19) VCF-style: chr6-39895316-ATG-A.
Other names: c.-1_1del, p.Met1fs (NM_005943.6); c.-11-1734_-11-1733del (NM_001358531.2, NM_001358533.2); c.124-124_124-123del (NM_001358529.2, NM_001075098.4); c.-138-124_-138-123del (NM_001358534.2); c.-1_1delCA (NM_005943.6); c.-1_1del (NM_005943.5); short protein forms M1fs.
Identifiers: ClinVar variation 3063887 (VCV003063887.5), dbSNP rs748167464, ClinGen allele CA3796463.

ClinVar aggregate classification (germline): Uncertain significance. Review status: criteria provided, multiple submitters, no conflicts (2 of 4 stars). 2 submissions from 2 submitters: Uncertain significance (2). Last evaluated 2025-05-07.

Conditions:
Sulfite oxidase deficiency due to molybdenum cofactor deficiency type A. Also called: Molybdenum cofactor deficiency, complementation group A; Molybdenum Cofactor Deficiency A. Identifiers: Orphanet 308386, Orphanet 833, MedGen C1854988, MONDO:0009643, OMIM 252150.

Submissions (2):

Women's Health and Genetics/Laboratory Corporation of America, LabCorp
Classification: Uncertain significance. Last evaluated: 2025-05-07. Review status: criteria provided, single submitter. Criteria: LabCorp Variant Classification Summary - May 2015. Collection method: clinical testing. Allele origin: germline.
Comment: Variant summary: MOCS1 c.-1_1delCA occurs in the initiation codon, however, the initiation codon sequence is predicted to remain intact after the deletion. The variant allele was found at a frequency of 0.00019 in 244452 control chromosomes (gnomAD). This frequency is not significantly higher than estimated for a pathogenic variant in MOCS1 causing Molybdenum Cofactor Deficiency (0.00019 vs 0.0025), allowing no conclusion about variant significance. To our knowledge, no occurrence of c.-1_1delCA in individuals affected with Molybdenum Cofactor Deficiency and no experimental evidence demonstrating its impact on protein function have been reported. ClinVar contains an entry for this variant (Variation ID: 3063887). Based on the evidence outlined above, the variant was classified as uncertain significance.

Fulgent Genetics
Classification: Uncertain significance for Sulfite oxidase deficiency due to molybdenum cofactor deficiency type A. Last evaluated: 2024-06-11. Review status: criteria provided, single submitter. Criteria: ACMG Guidelines, 2015. Collection method: clinical testing. Allele origin: germline.